The following is an entry in ClinVar:

NM_000218.3(KCNQ1):c.520C>T (p.Arg174Cys)

Gene: KCNQ1 (potassium voltage-gated channel subfamily Q member 1; plus strand). Cytogenetic location: 11p15.5.
Variant type: single nucleotide variant.
Coding change: c.520C>T on transcript NM_000218.3 (MANE Select); coding-DNA position 520, C replaced by T.
Protein change: p.Arg174Cys; replaces arginine 174 with cysteine.
Molecular consequence: missense variant.
Genome position (GRCh38, 1-based): chr11:2,570,670, C>T. VCF-style: chr11-2570670-C-T. GRCh37 (hg19) VCF-style: chr11-2591900-C-T.
Other names: p.R174C:CGC>TGC; c.520C>T (LRG_287t1); c.520C>T, p.Arg174Cys (NM_001406836.1); c.250C>T, p.Arg84Cys (NM_001406837.1); c.139C>T, p.Arg47Cys (NM_181798.2); short protein forms R174C, R47C, R84C.
Identifiers: ClinVar variation 53058 (VCV000053058.39), dbSNP rs199472696, ClinGen allele CA007321.

ClinVar aggregate classification (germline): Pathogenic/Likely pathogenic. Review status: criteria provided, multiple submitters, no conflicts (2 of 4 stars). 16 submissions from 16 submitters: Pathogenic (12); Likely pathogenic (2). 2 of the submissions do not count toward it. Last evaluated 2026-06-01.

Conditions:
KCNQ1-related disorder. Also called: KCNQ1-related condition; KCNQ1-related disorders. Identifiers: MedGen CN239322.
Cardiovascular phenotype. Identifiers: MedGen CN230736.
Cardiac arrhythmia. Also called: Arrhythmia; Cardiac rhythm disease. Identifiers: MedGen C0003811, MONDO:0007263, HP:0011675.
Familial long QT syndrome (RWS). Also called: Congenital long QT syndrome; Romano-Ward syndrome; VENTRICULAR FIBRILLATION WITH PROLONGED QT INTERVAL. Identifiers: Orphanet 768, MedGen C1141890, MONDO:0019171.
Atrial fibrillation, familial, 3 (ATFB3). Identifiers: MedGen C1837014, MONDO:0011857, OMIM 607554.
Long QT syndrome 1 (LQT1). Identifiers: Orphanet 101016, Orphanet 768, MedGen C4551647, MONDO:0100316, OMIM 192500, MONDO:0008646.
Beckwith-Wiedemann syndrome (BWS). Also called: Exomphalos macroglossia gigantism syndrome; EMG SYNDROME. Identifiers: Orphanet 116, MedGen C0004903, MONDO:0007534, OMIM 130650.
Jervell and Lange-Nielsen syndrome 1 (JLNS1). Also called: CARDIOAUDITORY SYNDROME OF JERVELL AND LANGE-NIELSEN; DEAFNESS, CONGENITAL, AND FUNCTIONAL HEART DISEASE; PROLONGED QT INTERVAL IN EKG AND SUDDEN DEATH; SURDO-CARDIAC SYNDROME. Identifiers: Orphanet 768, Orphanet 90647, MedGen C4551509, MONDO:0024540, OMIM 220400.
Short QT syndrome type 2. Identifiers: Orphanet 51083, MedGen C1865019, MONDO:0012313, OMIM 609621.
Long QT syndrome (LQTS). Identifiers: MedGen C0023976, MeSH D008133, MONDO:0002442. Disease mechanism: loss of function. Inheritance: Various modes of inheritance.

Allele frequency attached by ClinVar (database versions not stated): gnomAD 0.00001; TOPMed 0.00001; gnomAD exomes below 0.00001; ExAC 0.00001.
gnomAD v4.1: 5 of 1,612,454 alleles (0.00031%); highest among the groups gnomAD compares: Admixed American, 0.0033%; no homozygotes.

Submissions 1 to 6 of 16:

Women's Health and Genetics/Laboratory Corporation of America, LabCorp
Classification: Pathogenic for Long QT syndrome. Last evaluated: 2026-06-01. Review status: criteria provided, single submitter. Criteria: LabCorp Variant Classification Summary - May 2015. Collection method: clinical testing. Allele origin: germline.
Comment: Variant summary: KCNQ1 c.520C>T (p.Arg174Cys) results in a non-conservative amino acid change in the encoded protein sequence. Algorithms developed to predict the effect of missense changes on protein structure and function all suggest that this variant is likely to be disruptive. The variant allele was found at a frequency of 4e-06 in 250062 control chromosomes. c.520C>T has been observed in multiple individuals affected with sudden cardiac death or long QT syndrome, including one homozygous pt with severe arrhythmia (Donger_1997, Splawski_2000, Giudicessi_2013). These data indicate that the variant is very likely to be associated with disease. At least one publication reports experimental evidence evaluating an impact on protein function (Matavel_2010). The most pronounced variant effect results in 30%-50% of normal activity. The following publications have been ascertained in the context of this evaluation (PMID: 10973849, 15840476, 23392653, 9312006, 9386136, 19934648). ClinVar contains an entry for this variant (Variation ID: 53058). Based on the evidence outlined above, the variant was classified as pathogenic.

CeGaT Center for Human Genetics Tuebingen
Classification: Pathogenic. Last evaluated: 2026-05-01. Review status: criteria provided, single submitter. Criteria: CeGaT Center For Human Genetics Tuebingen Variant Classification Criteria Version 2. Collection method: clinical testing. Allele origin: germline. Affected: yes. Observed: 2 variant alleles.
Comment: KCNQ1: PS4, PM1, PM5, PP3, PS3:Supporting

Labcorp Genetics (formerly Invitae), Labcorp
Classification: Pathogenic for Long QT syndrome. Last evaluated: 2025-12-01. Review status: criteria provided, single submitter. Criteria: Invitae Variant Classification Sherloc (09022015). Collection method: clinical testing. Allele origin: germline.
Comment: This sequence change replaces arginine, which is basic and polar, with cysteine, which is neutral and slightly polar, at codon 174 of the KCNQ1 protein (p.Arg174Cys). The frequency data for this variant in the population databases is considered unreliable, as metrics indicate poor data quality at this position in the gnomAD database. This missense change has been observed in individuals with long QT syndrome (PMID: 9386136, 11668638, 15840476, 19716085, 23130128, 23392653). ClinVar contains an entry for this variant (Variation ID: 53058). Invitae Evidence Modeling of protein sequence and biophysical properties (such as structural, functional, and spatial information, amino acid conservation, physicochemical variation, residue mobility, and thermodynamic stability) indicates that this missense variant is expected to disrupt KCNQ1 protein function with a positive predictive value of 95%. Experimental studies have shown that this missense change affects KCNQ1 function (PMID: 9312006, 19934648). For these reasons, this variant has been classified as Pathogenic.

Ambry Genetics
Classification: Pathogenic for Cardiovascular phenotype. Last evaluated: 2025-11-26. Review status: criteria provided, single submitter. Criteria: Ambry Variant Classification Scheme 2023. Collection method: clinical testing. Allele origin: germline.
Comment: The p.R174C pathogenic mutation (also known as c.520C>T), located in coding exon 3 of the KCNQ1 gene, results from a C to T substitution at nucleotide position 520. The arginine at codon 174 is replaced by cysteine, an amino acid with highly dissimilar properties. This variant was reported in individual(s) with features consistent with long QT syndrome (LQTS) and Jervell and Lange-Nielsen syndrome/ autosomal recessive LQTS (Donger C et al. Circulation. 1997;96(9):2778-81; Splawski I et al. Circulation. 2000;102(10):1178-85; Tester DJ. Heart Rhythm. 2005;2(5):507-17; Couderc JP et al. J Am Heart Assoc. 2012;1:e000570; Miyazaki et al. JACC: Clin Electrophys. 2016;(2)3:266-76; Westphal DS et al. Mol Genet Genomic Med, 2020 09;8:e1300; Giudicessi JR et al. Circ Cardiovasc Genet. 2013;6(2):193-200; Uysal F et al. BMC Med Genet. 2017 10;18:114). This variant was also detected in two siblings with LQTS who had additional co-occurring variants in other arrhythmia-related genes; family members heterozygous for p.R174C with QTc values in the normal range were also described (Wu J et al. Sci Rep, 2018 02;8:3129). Functional studies have reported this alteration to disrupt regulation of ion channel activation and lead to impaired ion channel function (Chouabe C et al. EMBO J. 1997;16(17):5472-9; Matavel A et al. Channels (Austin). 2010;4(1):3-11; Huang H et al. Sci Adv, 2018 03;4:eaar2631). Other variant(s) at the same codon, p.R174H (c.521G>A), p.R174L (c.521G>T), have been identified in individual(s) with features consistent with LQTS (Splawski I et al. Circulation. 2000;102(10):1178-85; Aziz PF et al. Circ Arrhythm Electrophysiol. 2011;4:867-73). This amino acid position is highly conserved in available vertebrate species. In addition, this alteration is predicted to be deleterious by in silico analysis. This variant is considered to be rare based on population cohorts in the Genome Aggregation Database (gnomAD). Based on the supporting evidence, this alteration is interpreted as a disease-causing mutation.

3billion
Classification: Pathogenic for Long QT syndrome 1. Last evaluated: 2025-03-06. Review status: criteria provided, single submitter. Criteria: ACMG Guidelines, 2015. Collection method: clinical testing. Allele origin: germline. Affected: yes.
Comment: The variant is observed at an extremely low frequency in the gnomAD v4.1.0 dataset (total allele frequency: <0.001%). Predicted Consequence/Location: Missense variant. Functional studies provide strong evidence of the variant having a damaging effect on the gene or gene product (PMID: 19934648). In silico tool predictions suggest damaging effect of the variant on gene or gene product [REVEL: 0.98 (>=0.6, sensitivity 0.68 and specificity 0.92); 3Cnet: 0.99 (> 0.75, sensitivity 0.96 and precision 0.92)]. The same nucleotide change resulting in the same amino acid change has been previously reported as pathogenic/likely pathogenic with strong evidence (ClinVar ID: VCV000053058 / PMID: 9386136 / 3billion dataset). Different missense changes at the same codon (p.Arg174His, p.Arg174Leu, p.Arg174Pro) have been reported as pathogenic/likely pathogenic with strong evidence (ClinVar ID: VCV000053059, VCV000053060, VCV000200814 / PMID: 10973849, 16414944, 21956039). Therefore, this variant is classified as Pathogenic according to the recommendation of ACMG/AMP guideline.

All of Us Research Program, National Institutes of Health
Classification: Pathogenic for Long QT syndrome. Last evaluated: 2024-08-01. Review status: criteria provided, single submitter. Criteria: ACMG Guidelines, 2015. Collection method: clinical testing. Allele origin: germline. Inheritance: Autosomal dominant inheritance. Observed: 1 variant allele, 1 heterozygote.
Comment: The c.520C>T (p.Arg174Cys) variant in the KCNQ1 gene is located on the exon 3 of the KCNQ1 gene and is predicted to replace arginine with cysteine at codon 174 of the KCNQ1 protein (p.Arg174Cys). This variant has been identified in multiple individuals with long QT syndrome (LQTS) (PMID: 11668638, 23130128, 27251404, 29449639) or referred for LQTS genetic testing (PMID: 15840476, 19716085). This variant has also been reported in homozygous and compound heterozygous states in individuals affected with Jervell and Lange-Nielsen syndrome (PMID: 23392653, 29037160). A different missense substitution affecting the same amino acid residue, p.Arg174His, has been determined to be pathogenic in ClinVar based on the ACMG guideline. Experimental studies have shown that this missense change affects KCNQ1 function (PMID: 29449639, 9312006, 19934648). This variant is present at a very low frequency (1/249462) in the general population according to gnomAD. In silico prediction algorithm suggests that this variant may have deleterious impact on protein structure and function (REVEL score ?0.75). Therefore, the c.520C>T (p.Arg174Cys) variant in the KCNQ1 gene has been classified as pathogenic.

This study involves interpretation of variants in research participants for the purpose of population health screening. Participant phenotype was not available at the time of variant classification. Additional details can be found in publication PMID: 35346344, PMCID: PMC8962531